The following is an entry in ClinVar:

NM_001384732.1(CPLANE1):c.3673-1G>C

Gene: CPLANE1 (ciliogenesis and planar polarity effector complex subunit 1; minus strand). Cytogenetic location: 5p13.2.
Variant type: single nucleotide variant.
Coding change: c.3673-1G>C on transcript NM_001384732.1 (MANE Select); the canonical splice acceptor site of the intron before coding-DNA position 3673, G replaced by C.
Molecular consequence: splice acceptor variant.
Genome position (GRCh38, 1-based): chr5:37,195,997, C>G on the plus strand (G>C on the coding strand, the complement: CPLANE1 is on the minus strand). VCF-style: chr5-37195997-C-G. GRCh37 (hg19) VCF-style: chr5-37196099-C-G.
Other names: c.3673-1G>C (NM_023073.4).
Identifiers: ClinVar variation 280495 (VCV000280495.5), dbSNP rs886041688, ClinGen allele CA10602924.

ClinVar aggregate classification (germline): Pathogenic/Likely pathogenic. Review status: criteria provided, multiple submitters, no conflicts (2 of 4 stars). 2 submissions from 2 submitters: Pathogenic (1); Likely pathogenic (1). Last evaluated 2025-06-24.

Conditions:
Joubert syndrome 17 (JBTS17). Identifiers: Orphanet 475, MedGen C3553264, MONDO:0013824, OMIM 614615.
Orofaciodigital syndrome type 6 (OFD6). Also called: OROFACIODIGITAL SYNDROME VI; OFDS VI; POLYDACTYLY, CLEFT LIP/PALATE OR LINGUAL LUMP, AND PSYCHOMOTOR RETARDATION; VARADI SYNDROME; VARADI-PAPP SYNDROME; Oral-facial-digital syndrome type 6. Identifiers: Orphanet 2754, MedGen C2745997, MONDO:0010176, OMIM 277170.

Allele frequency attached by ClinVar (database versions not stated): TOPMed below 0.00001; gnomAD 0.00001; gnomAD exomes 0.00001.

Submissions (2):

GeneDx
Classification: Pathogenic. Last evaluated: 2025-06-24. Review status: criteria provided, single submitter. Criteria: GeneDx Variant Classification Process June 2021. Collection method: clinical testing. Allele origin: germline. Affected: yes.
Comment: Not observed at significant frequency in large population cohorts (gnomAD); Has not been previously published as pathogenic or benign to our knowledge; Canonical splice site variant predicted to result in a null allele in a gene for which loss of function is a known mechanism of disease

Fulgent Genetics
Classification: Likely pathogenic for Orofaciodigital syndrome type 6; Joubert syndrome 17. Last evaluated: 2022-04-13. Review status: criteria provided, single submitter. Criteria: ACMG Guidelines, 2015. Collection method: clinical testing. Allele origin: unknown.